The following is an entry in ClinVar:

NM_000051.4(ATM):c.4080_4083del (p.Ser1360fs)

Gene: ATM (ATM serine/threonine kinase; plus strand). Cytogenetic location: 11q22.3.
Variant type: Deletion.
Coding change: c.4080_4083del on transcript NM_000051.4 (MANE Select); coding-DNA positions 4080 to 4083, 4 bases deleted (TCAG; older notation c.4080_4083delTCAG).
Protein change: p.Ser1360fs; shifts the reading frame from serine 1360.
Molecular consequence: frameshift variant.
Genome position (GRCh38, 1-based): chr11:108,287,686-108,287,689, TCAG deleted; deleting any 4 consecutive bases within chr11:108,287,683-108,287,689 gives the same sequence; the c. name uses the placement nearest the transcript's 3' end. VCF-style (leftmost placement, unchanged base first): chr11-108287682-CCAGT-C. GRCh37 (hg19) VCF-style: chr11-108158409-CCAGT-C.
Other names: c.4080_4083del (NM_000051.3); c.4080_4083delTCAG, p.Ser1360Argfs (NM_000051.3); c.4080_4083del, p.Ser1360fs (NM_001351834.2); short protein forms S1360fs.
Identifiers: ClinVar variation 2891630 (VCV002891630.4), dbSNP rs2546898624, ClinGen allele CA2615849527.
Genomic context (GRCh38, chr11:108,287,682, plus strand): 5'-ATTTACCAGAGATTGTGGTGGAGTTATTGATGACGTTACATGAGCCAGCAAATTCTAGTG[CCAGT>C]CAGAGCACTGACCTCTGTGACTTTTCAGGGTATGTACATTTTAAACTTAGAGAACTAGCT-3'

ClinVar aggregate classification (germline): Pathogenic/Likely pathogenic. Review status: criteria provided, multiple submitters, no conflicts (2 of 4 stars). 2 submissions from 2 submitters: Pathogenic (1); Likely pathogenic (1). Last evaluated 2025-12-22.

Conditions:
Ataxia-telangiectasia syndrome (AT). Also called: Cerebello-oculocutaneous telangiectasia; Immunodeficiency with ataxia telangiectasia; AT, COMPLEMENTATION GROUP C; ATAXIA-TELANGIECTASIA, FRESNO VARIANT; ATAXIA-TELANGIECTASIA, COMPLEMENTATION GROUP A; Ataxia-telangiectasia. Identifiers: Orphanet 100, MedGen C0004135, MONDO:0008840, OMIM 208900.

Submissions (2):

Natera, Inc.
Classification: Likely pathogenic for Ataxia-telangiectasia. Last evaluated: 2025-12-22. Review status: criteria provided, single submitter. Criteria: Natera Variant Classification Schema (03/2026). Collection method: clinical testing. Allele origin: germline.
Comment: The c.4080_4083del variant in ATM is a frameshift variant predicted to shift the reading frame beginning at codon 1360 and leads to a stop codon 25 codons downstream. This variant is expected to result in nonsense mediated decay, truncation, or a dysfunctional protein product. This variant is rare in the general population with a frequency below the threshold expected for the associated phenotype(s). Given the available evidence, this variant is classified as Likely Pathogenic.

Labcorp Genetics (formerly Invitae), Labcorp
Classification: Pathogenic for Ataxia-telangiectasia syndrome. Last evaluated: 2023-11-19. Review status: criteria provided, single submitter. Criteria: Invitae Variant Classification Sherloc (09022015). Collection method: clinical testing. Allele origin: germline.
Comment: This sequence change creates a premature translational stop signal (p.Ser1360Argfs*25) in the ATM gene. It is expected to result in an absent or disrupted protein product. Loss-of-function variants in ATM are known to be pathogenic (PMID: 23807571, 25614872). This variant is not present in population databases (gnomAD no frequency). This variant has not been reported in the literature in individuals affected with ATM-related conditions. For these reasons, this variant has been classified as Pathogenic.

Literature cited by the submitters: PubMed 23807571 (cited by Labcorp Genetics (formerly Invitae), Labcorp); PubMed 25614872 (cited by Labcorp Genetics (formerly Invitae), Labcorp).